The following is an entry in ClinVar:

ClinVar aggregate classification (germline): Uncertain significance. Review status: criteria provided, multiple submitters, no conflicts (2 of 4 stars). 2 submissions from 2 submitters: Uncertain significance (2). Last evaluated 2024-11-09.

Conditions:
Inborn genetic diseases. Identifiers: MedGen C0950123, MeSH D030342.

Allele frequency attached by ClinVar (database versions not stated): TOPMed 0.00005; ExAC 0.00008.
gnomAD v4.1: 143 of 1,613,278 alleles (0.0089%); highest among the groups gnomAD compares: Non-Finnish European, 0.0085%; no homozygotes.

Submissions (2):

Ambry Genetics
Classification: Uncertain significance for Inborn genetic diseases. Last evaluated: 2024-11-09. Review status: criteria provided, single submitter. Criteria: Ambry Variant Classification Scheme 2023. Collection method: clinical testing. Allele origin: germline.

Labcorp Genetics (formerly Invitae), Labcorp
Classification: Uncertain significance. Last evaluated: 2022-08-15. Review status: criteria provided, single submitter. Criteria: Invitae Variant Classification Sherloc (09022015). Collection method: clinical testing. Allele origin: germline.
Comment: This sequence change replaces arginine, which is basic and polar, with histidine, which is basic and polar, at codon 46 of the CEP63 protein (p.Arg46His). This variant is present in population databases (rs746013577, gnomAD 0.05%). This variant has not been reported in the literature in individuals affected with CEP63-related conditions. Algorithms developed to predict the effect of missense changes on protein structure and function are either unavailable or do not agree on the potential impact of this missense change (SIFT: "Deleterious"; PolyPhen-2: "Benign"; Align-GVGD: "Class C0"). In summary, the available evidence is currently insufficient to determine the role of this variant in disease. Therefore, it has been classified as a Variant of Uncertain Significance.

NM_001353108.3(CEP63):c.137G>A (p.Arg46His)

Gene: CEP63 (centrosomal protein 63; plus strand). Cytogenetic location: 3q22.2.
Variant type: single nucleotide variant.
Coding change: c.137G>A on transcript NM_001353108.3 (MANE Select); coding-DNA position 137, G replaced by A.
Protein change: p.Arg46His; replaces arginine 46 with histidine.
Molecular consequence: missense variant. On other transcripts: 5 prime UTR variant (1), non-coding transcript variant (4).
Genome position (GRCh38, 1-based): chr3:134,507,201, G>A. VCF-style: chr3-134507201-G-A. GRCh37 (hg19) VCF-style: chr3-134226043-G-A.
Other names: c.137G>A, p.Arg46His (NM_001042383.2, NM_001042384.2, NM_001042400.3 and 13 more transcripts); c.164G>A, p.Arg55His (NM_001353118.1); c.53G>A, p.Arg18His (NM_001353125.2); c.-245G>A (NM_001353126.2); c.137G>A (NM_025180.3); short protein forms R46H, R18H, R55H.
Identifiers: ClinVar variation 1905196 (VCV001905196.3), dbSNP rs746013577, ClinGen allele CA2628269.